The following is an entry in ClinVar:

ClinVar aggregate classification (germline): Uncertain significance. Review status: criteria provided, multiple submitters, no conflicts (2 of 4 stars). 2 submissions from 2 submitters: Uncertain significance (2). Last evaluated 2023-12-16.

Allele frequency attached by ClinVar (database versions not stated): TOPMed 0.00006; gnomAD 0.00007; gnomAD exomes 0.00008 and 0.00010; ExAC 0.00017; ESP Exome Variant Server 0.00024.

Submissions (2):

Ambry Genetics
Classification: Uncertain significance. Last evaluated: 2023-12-16. Review status: criteria provided, single submitter. Criteria: Ambry Variant Classification Scheme 2023. Collection method: clinical testing. Allele origin: germline.

GeneDx
Classification: Uncertain significance. Last evaluated: 2020-02-13. Review status: criteria provided, single submitter. Criteria: GeneDx Variant Classification Process June 2021. Collection method: clinical testing. Allele origin: germline. Affected: yes.
Comment: In silico analysis supports that this missense variant does not alter protein structure/function; Has not been previously published as pathogenic or benign to our knowledge

NM_001077446.4(TSEN34):c.424A>G (p.Ser142Gly)

Gene: TSEN34 (tRNA splicing endonuclease subunit 34; plus strand). Cytogenetic location: 19q13.42.
Variant type: single nucleotide variant.
Coding change: c.424A>G on transcript NM_001077446.4 (MANE Select); coding-DNA position 424, A replaced by G.
Protein change: p.Ser142Gly; replaces serine 142 with glycine.
Molecular consequence: missense variant.
Genome position (GRCh38, 1-based): chr19:54,191,901, A>G. VCF-style: chr19-54191901-A-G. GRCh37 (hg19) VCF-style: chr19-54695752-A-G.
Other names: c.424A>G, p.Ser142Gly (NM_001282332.2, NM_001282333.2, NM_001386740.1 and 1 more transcripts); short protein forms S142G.
Identifiers: ClinVar variation 1315367 (VCV001315367.4), dbSNP rs201438919, ClinGen allele CA309374022.